The following is an entry in ClinVar:

NM_014727.3(KMT2B):c.4303-3C>T

Gene: KMT2B (lysine methyltransferase 2B; plus strand). Cytogenetic location: 19q13.12.
Variant type: single nucleotide variant.
Coding change: c.4303-3C>T on transcript NM_014727.3 (MANE Select); 3 bases into the intron before coding-DNA position 4303, C replaced by T.
Molecular consequence: intron variant.
Genome position (GRCh38, 1-based): chr19:35,727,695, C>T. VCF-style: chr19-35727695-C-T. GRCh37 (hg19) VCF-style: chr19-36218596-C-T.
Identifiers: ClinVar variation 513143 (VCV000513143.1), dbSNP rs959046431, ClinGen allele CA307791000.

ClinVar aggregate classification (germline): Likely benign (1 of 4 stars; one submission).

Allele frequency attached by ClinVar (database versions not stated): TOPMed below 0.00001; gnomAD 0.00001 and 0.00003.
gnomAD v4.1: 1 of 1,613,536 alleles (0.000062%); highest among the groups gnomAD compares: Non-Finnish European, 0.000085%; no homozygotes.

Submission:

GeneDx
Classification: Likely benign. Last evaluated: 2017-11-03. Review status: criteria provided, single submitter. Criteria: GeneDx Variant Classification (06012015). Collection method: clinical testing. Allele origin: germline. Affected: yes.
Comment: This variant is considered likely benign or benign based on one or more of the following criteria: it is a conservative change, it occurs at a poorly conserved position in the protein, it is predicted to be benign by multiple in silico algorithms, and/or has population frequency not consistent with disease.